The following is an entry in ClinVar:

ClinVar aggregate classification (germline): Uncertain significance. Review status: criteria provided, multiple submitters, no conflicts (2 of 4 stars). 2 submissions from 2 submitters: Uncertain significance (2). Last evaluated 2025-01-08.

Conditions:
TP63-Related Spectrum Disorders.
Inborn genetic diseases. Identifiers: MedGen C0950123, MeSH D030342.

Allele frequency attached by ClinVar (database versions not stated): TOPMed 0.00005; ExAC 0.00007; ESP Exome Variant Server 0.00008; gnomAD 0.00003; gnomAD exomes 0.00004.
gnomAD v4.1: 62 of 1,613,852 alleles (0.0038%); highest among the groups gnomAD compares: Non-Finnish European, 0.005%; no homozygotes.

Submissions (2):

Ambry Genetics
Classification: Uncertain significance for Inborn genetic diseases. Last evaluated: 2025-01-08. Review status: criteria provided, single submitter. Criteria: Ambry Variant Classification Scheme 2023. Collection method: clinical testing. Allele origin: germline.

Labcorp Genetics (formerly Invitae), Labcorp
Classification: Uncertain significance. Last evaluated: 2024-11-05. Review status: criteria provided, single submitter. Criteria: Invitae Variant Classification Sherloc (09022015). Collection method: clinical testing. Allele origin: germline.
Comment: This sequence change replaces arginine, which is basic and polar, with glutamine, which is neutral and polar, at codon 594 of the TP63 protein (p.Arg594Gln). This variant is present in population databases (rs368336834, gnomAD 0.01%). This variant has not been reported in the literature in individuals affected with TP63-related conditions. ClinVar contains an entry for this variant (Variation ID: 2069352). Invitae Evidence Modeling incorporating data from in vitro experimental studies (internal data) indicates that this missense variant is not expected to disrupt TP63 function with a negative predictive value of 95%. In summary, the available evidence is currently insufficient to determine the role of this variant in disease. Therefore, it has been classified as a Variant of Uncertain Significance.

NM_003722.5(TP63):c.1781G>A (p.Arg594Gln)

Gene: TP63 (tumor protein p63; plus strand). Cytogenetic location: 3q28.
Variant type: single nucleotide variant.
Coding change: c.1781G>A on transcript NM_003722.5 (MANE Select); coding-DNA position 1781, G replaced by A.
Protein change: p.Arg594Gln; replaces arginine 594 with glutamine.
Molecular consequence: missense variant. On other transcripts: 3 prime UTR variant (6).
Genome position (GRCh38, 1-based): chr3:189,894,240, G>A. VCF-style: chr3-189894240-G-A. GRCh37 (hg19) VCF-style: chr3-189612029-G-A.
Other names: c.1781G>A (NM_003722.4); c.*19G>A (NM_001114978.2, NM_001114981.2); c.1499G>A, p.Arg500Gln (NM_001114980.2); c.*9G>A (NM_001329144.2, NM_001329145.2, NM_001329149.2 and 1 more transcripts); c.1244G>A, p.Arg415Gln (NM_001329146.2); c.1769G>A, p.Arg590Gln (NM_001329148.2); c.1775G>A, p.Arg592Gln (NM_001329964.2); short protein forms R415Q, R592Q, R500Q, R594Q, R590Q.
Identifiers: ClinVar variation 2069352 (VCV002069352.4), dbSNP rs368336834, ClinGen allele CA2752576.
Genomic context (GRCh38, chr3:189,894,240, plus strand): 5'-CCATGACACCTTCCCCTGTTGCACAGGATCTGGCAAGTCTGAAAATCCCTGAGCAATTTC[G>A]ACATGCGATCTGGAAGGGCATCCTGGACCACCGGCAGCTCCACGAATTCTCCTCCCCTTC-3'
Protein context (NP_003713.3, residues 584-604): LASLKIPEQF[Arg594Gln]HAIWKGILDH